The following is an entry in ClinVar:

ClinVar aggregate classification (germline): Pathogenic (1 of 4 stars; one submission).

Submission:

Labcorp Genetics (formerly Invitae), Labcorp
Classification: Pathogenic. Last evaluated: 2022-05-06. Review status: criteria provided, single submitter. Criteria: Invitae Variant Classification Sherloc (09022015). Collection method: clinical testing. Allele origin: germline.
Comment: A gross deletion of the genomic region encompassing the full coding sequence of the GRM6 gene has been identified. Loss-of-function variants in GRM6 are known to be pathogenic (PMID: 15781871, 16622103, 22008250). The boundaries of this event are unknown as they extend beyond the assayed region for this gene and therefore may encompass additional genes. This variant has not been reported in the literature in individuals affected with GRM6-related conditions. For these reasons, this variant has been classified as Pathogenic.

Literature cited by the submitters: PubMed 15781871; PubMed 16622103; PubMed 22008250.

NC_000005.9:g.(?_178408658)_(178772329_?)del

Genes: ADAMTS2 (ADAM metallopeptidase with thrombospondin type 1 motif 2; minus strand), GRM6 (glutamate metabotropic receptor 6; minus strand), ZNF354C (zinc finger protein 354C; plus strand), ZNF879 (zinc finger protein 879; plus strand). Cytogenetic location: 5q35.3.
Variant type: Deletion.
Identifiers: ClinVar variation 2423423 (VCV002423423.3).